The following is an entry in ClinVar:

ClinVar aggregate classification (germline): Uncertain significance (1 of 4 stars; one submission).

Conditions:
Developmental and epileptic encephalopathy 94 (DEE94). Also called: CHD2-Related Neurodevelopmental Disorders; Epileptic encephalopathy, childhood-onset. Identifiers: Orphanet 1942, Orphanet 2382, MedGen C3809278, MONDO:0014150, OMIM 615369.

Submission:

Juno Genomics, Hangzhou Juno Genomics, Inc
Classification: Uncertain significance for Developmental and epileptic encephalopathy 94. Review status: criteria provided, single submitter. Criteria: ACMG Guidelines, 2015. Collection method: clinical testing. Allele origin: germline.
Comment: Absent from controls (or at extremely low frequency if recessive) in Genome Aggregation Database.;Missense variant in a gene that has a low rate of benign missense variation.

NM_001271.4(CHD2):c.1021T>G (p.Phe341Val)

Gene: CHD2 (chromodomain helicase DNA binding protein 2; plus strand). Cytogenetic location: 15q26.1.
Variant type: single nucleotide variant.
Coding change: c.1021T>G on transcript NM_001271.4 (MANE Select); coding-DNA position 1021, T replaced by G.
Protein change: p.Phe341Val; replaces phenylalanine 341 with valine.
Molecular consequence: missense variant.
Genome position (GRCh38, 1-based): chr15:92,943,037, T>G. VCF-style: chr15-92943037-T-G. GRCh37 (hg19) VCF-style: chr15-93486267-T-G.
Other names: c.1021T>G, p.Phe341Val (NM_001042572.3); short protein forms F341V.
Identifiers: ClinVar variation 5018744 (VCV005018744.2).
Genomic context (GRCh38, chr15:92,943,037, plus strand): 5'-TGGGAGAGTGAAGAATCCTTACAGCAACAGAAAGTGAAGGGCCTAAAAAAACTAGAGAAC[T>G]TCAAGAAAAAAGAGGACGAAATCAAACAATGGTATATTTTCCATCATGGATTAAAGAAAT-3'
Protein context (NP_001262.3, residues 331-351): KVKGLKKLEN[Phe341Val]KKKEDEIKQW